The following is an entry in ClinVar:

ClinVar aggregate classification (germline): Likely benign (0 of 4 stars; one submission).

Conditions:
DISP3-related disorder. Also called: DISP3-related condition.

Allele frequency attached by ClinVar (database versions not stated): ESP Exome Variant Server 0.00032; gnomAD 0.00033; TOPMed 0.00049; 1000 Genomes Project 0.00060; 1000 Genomes Project 30x 0.00062.
gnomAD v4.1: 135 of 1,613,192 alleles (0.0084%); highest among the groups gnomAD compares: African/African-American, 0.16%; no homozygotes.

Submission:

PreventionGenetics, part of Exact Sciences
Classification: Likely benign for DISP3-related condition. Last evaluated: 2019-05-24. Review status: no assertion criteria provided. Collection method: clinical testing. Allele origin: germline.
Comment: This variant is classified as likely benign based on ACMG/AMP sequence variant interpretation guidelines (Richards et al. 2015 PMID: 25741868, with internal and published modifications).

NM_020780.2(DISP3):c.2740C>A (p.Arg914=)

Gene: DISP3 (dispatched RND transporter family member 3; plus strand). Cytogenetic location: 1p36.22.
Variant type: single nucleotide variant.
Coding change: c.2740C>A on transcript NM_020780.2 (MANE Select); coding-DNA position 2740, C replaced by A.
Protein change: p.Arg914=; no amino-acid change (arginine 914 retained).
Molecular consequence: synonymous variant.
Genome position (GRCh38, 1-based): chr1:11,526,777, C>A. VCF-style: chr1-11526777-C-A. GRCh37 (hg19) VCF-style: chr1-11586834-C-A.
Identifiers: ClinVar variation 3038666 (VCV003038666.2), dbSNP rs374613319, ClinGen allele CA592092.